The following is an entry in ClinVar:

ClinVar aggregate classification (germline): Uncertain significance (1 of 4 stars; one submission).

Conditions:
Neuropathy, hereditary sensory and autonomic, type 2A (HSAN2A). Also called: HSAN IIA; WNK1-Related HSAN2 (HSAN2A); ACROOSTEOLYSIS, GIACCAI TYPE; ACROOSTEOLYSIS, NEUROGENIC; MORVAN DISEASE; NEUROPATHY, CONGENITAL SENSORY. Identifiers: Orphanet 970, MedGen C2752089, MONDO:0024309, OMIM 201300.
Pseudohypoaldosteronism type 2C (PHA2C). Also called: Pseudohypoaldosteronism Type IIC. Identifiers: Orphanet 757, Orphanet 88940, MedGen C1840391, MONDO:0013778, OMIM 614492.

Allele frequency attached by ClinVar (database versions not stated): gnomAD exomes below 0.00001.
gnomAD v4.1: 3 of 1,614,212 alleles (0.00019%); highest among the groups gnomAD compares: Non-Finnish European, 0.00025%; no homozygotes.

Submission:

Labcorp Genetics (formerly Invitae), Labcorp
Classification: Uncertain significance for Neuropathy, hereditary sensory and autonomic, type 2A; Pseudohypoaldosteronism type 2C. Last evaluated: 2022-09-22. Review status: criteria provided, single submitter. Criteria: Invitae Variant Classification Sherloc (09022015). Collection method: clinical testing. Allele origin: germline.
Comment: In summary, the available evidence is currently insufficient to determine the role of this variant in disease. Therefore, it has been classified as a Variant of Uncertain Significance. Advanced modeling of protein sequence and biophysical properties (such as structural, functional, and spatial information, amino acid conservation, physicochemical variation, residue mobility, and thermodynamic stability) performed at Invitae indicates that this missense variant is not expected to disrupt WNK1 protein function. This variant has not been reported in the literature in individuals affected with WNK1-related conditions. This variant is not present in population databases (gnomAD no frequency). This sequence change replaces valine, which is neutral and non-polar, with isoleucine, which is neutral and non-polar, at codon 1726 of the WNK1 protein (p.Val1726Ile).

NM_018979.4(WNK1):c.4420G>A (p.Val1474Ile)

Gene: WNK1 (WNK lysine deficient protein kinase 1; plus strand). Cytogenetic location: 12p13.33.
Variant type: single nucleotide variant.
Coding change: c.4420G>A on transcript NM_018979.4 (MANE Select); coding-DNA position 4420, G replaced by A.
Protein change: p.Val1474Ile; replaces valine 1474 with isoleucine.
Molecular consequence: missense variant.
Genome position (GRCh38, 1-based): chr12:885,224, G>A. VCF-style: chr12-885224-G-A. GRCh37 (hg19) VCF-style: chr12-994390-G-A.
Other names: c.5200G>A, p.Val1734Ile (NM_001184985.2); c.3679G>A, p.Val1227Ile (NM_014823.3); c.5176G>A, p.Val1726Ile (NM_213655.5); short protein forms V1474I, V1726I, V1734I, V1227I.
Identifiers: ClinVar variation 1943851 (VCV001943851.5), dbSNP rs2549045176, ClinGen allele CA383331188.